The following is an entry in ClinVar:

ClinVar aggregate classification (germline): Uncertain significance (1 of 4 stars; one submission).

Conditions:
Hereditary cancer-predisposing syndrome. Also called: Neoplastic Syndromes, Hereditary; Tumor predisposition; Hereditary neoplastic syndrome; Hereditary Cancer Syndrome. Identifiers: Orphanet 140162, MedGen C0027672, MeSH D009386, MONDO:0015356.

Submission:

Ambry Genetics
Classification: Uncertain significance for Hereditary cancer-predisposing syndrome. Last evaluated: 2024-01-22. Review status: criteria provided, single submitter. Criteria: Ambry Variant Classification Scheme 2023. Collection method: clinical testing. Allele origin: germline.
Comment: The p.T1083S variant (also known as c.3247A>T), located in coding exon 20 of the RET gene, results from an A to T substitution at nucleotide position 3247. The threonine at codon 1083 is replaced by serine, an amino acid with similar properties. This amino acid position is conserved. In addition, the in silico prediction for this alteration is inconclusive. Based on the available evidence, the clinical significance of this alteration remains unclear.

NM_020975.6(RET):c.3247A>T (p.Thr1083Ser)

Gene: RET (ret proto-oncogene; plus strand). Cytogenetic location: 10q11.21.
Variant type: single nucleotide variant.
Coding change: c.3247A>T on transcript NM_020975.6 (MANE Select); coding-DNA position 3247, A replaced by T.
Protein change: p.Thr1083Ser; replaces threonine 1083 with serine.
Molecular consequence: missense variant. On other transcripts: 3 prime UTR variant (18), intron variant (3).
Genome position (GRCh38, 1-based): chr10:43,128,171, A>T. VCF-style: chr10-43128171-A-T. GRCh37 (hg19) VCF-style: chr10-43623619-A-T.
Other names: c.3247A>T, p.Thr1083Ser (NM_000323.2, NM_001406743.1); c.*1417A>T (NM_001355216.2, NM_001406764.1, NM_001406765.1 and 15 more transcripts); c.3187A>T, p.Thr1063Ser (NM_001406759.1, NM_001406760.1); c.3118A>T, p.Thr1040Ser (NM_001406761.1, NM_001406762.1); c.3112A>T, p.Thr1038Ser (NM_001406763.1); c.2959A>T, p.Thr987Ser (NM_001406766.1, NM_001406767.1); c.2851A>T, p.Thr951Ser (NM_001406769.1); c.2809A>T, p.Thr937Ser (NM_001406771.1); and 10 more; short protein forms T1038S, T1040S, T1063S, T1083S, T580S, T600S, T688S, T741S.
Identifiers: ClinVar variation 3227553 (VCV003227553.1), dbSNP rs878855064, ClinGen allele CA376558970.
Genomic context (GRCh38, chr10:43,128,171, plus strand): 5'-GGCATGTCAGACCCGAACTGGCCTGGAGAGAGTCCTGTACCACTCACGAGAGCTGATGGC[A>T]CTAACACTGGGTTTCCAAGATATCCAAATGATAGTGTATATGCTAACTGGATGCTTTCAC-3'
Protein context (NP_066124.1, residues 1073-1093): SPVPLTRADG[Thr1083Ser]NTGFPRYPND